The following is an entry in ClinVar:

ClinVar aggregate classification (germline): Conflicting classifications of pathogenicity. Review status: criteria provided, conflicting classifications (1 of 4 stars). 8 submissions from 8 submitters: Uncertain significance (6); Likely benign (1). 1 of the submissions does not count toward it. Last evaluated 2025-06-16.

Conditions:
Hereditary cancer-predisposing syndrome. Also called: Tumor predisposition; Hereditary Cancer Syndrome; Hereditary neoplastic syndrome; Neoplastic Syndromes, Hereditary. Identifiers: Orphanet 140162, MedGen C0027672, MeSH D009386, MONDO:0015356.
Hereditary diffuse gastric adenocarcinoma (HDGC). Also called: DIFFUSE GASTRIC AND LOBULAR BREAST CANCER SYNDROME. Identifiers: Orphanet 26106, MedGen C1708349, MONDO:0007648, OMIM 137215.
Familial cancer of breast. Also called: BREAST CANCER, FAMILIAL; hereditary breast carcinoma; Hereditary breast cancer. Identifiers: Orphanet 227535, MedGen C0346153, MONDO:0016419, OMIM 114480. Disease mechanism: loss of function.

Allele frequency attached by ClinVar (database versions not stated): ExAC 0.00001; gnomAD exomes 0.00001.
gnomAD v4.1: 15 of 1,614,084 alleles (0.00093%); highest among the groups gnomAD compares: Non-Finnish European, 0.0011%; no homozygotes.

Submissions (8):

Ambry Genetics
Classification: Likely benign for Hereditary cancer-predisposing syndrome. Last evaluated: 2025-06-16. Review status: criteria provided, single submitter. Criteria: Ambry Variant Classification Scheme 2023. Collection method: clinical testing. Allele origin: germline.

Color Diagnostics, LLC DBA Color Health
Classification: Uncertain significance for Hereditary cancer-predisposing syndrome. Last evaluated: 2025-04-28. Review status: criteria provided, single submitter. Criteria: ACMG Guidelines, 2015. Collection method: clinical testing. Allele origin: germline.
Comment: This missense variant replaces alanine with threonine at codon 439 of the CDH1 protein. To our knowledge, functional studies have not been reported for this variant. This variant has not been reported in individuals affected with CDH1-related disorders in the literature. This variant has been identified in 3/251470 chromosomes in the general population by the Genome Aggregation Database (gnomAD). The available evidence is insufficient to determine the role of this variant in disease conclusively. Therefore, this variant is classified as a Variant of Uncertain Significance.

Labcorp Genetics (formerly Invitae), Labcorp
Classification: Uncertain significance for Hereditary diffuse gastric adenocarcinoma. Last evaluated: 2024-03-20. Review status: criteria provided, single submitter. Criteria: Invitae Variant Classification Sherloc (09022015). Collection method: clinical testing. Allele origin: germline.
Comment: This sequence change replaces alanine, which is neutral and non-polar, with threonine, which is neutral and polar, at codon 439 of the CDH1 protein (p.Ala439Thr). This variant is present in population databases (rs758764445, gnomAD 0.003%). This missense change has been observed in individual(s) with breast cancer (PMID: 31465090). ClinVar contains an entry for this variant (Variation ID: 184950). An algorithm developed to predict the effect of missense changes on protein structure and function (PolyPhen-2) suggests that this variant is likely to be tolerated. In summary, the available evidence is currently insufficient to determine the role of this variant in disease. Therefore, it has been classified as a Variant of Uncertain Significance.

Baylor Genetics
Classification: Uncertain significance for Familial cancer of breast. Last evaluated: 2023-05-28. Review status: criteria provided, single submitter. Criteria: ACMG Guidelines, 2015. Collection method: clinical testing. Allele origin: unknown.

Myriad Genetics, Inc.
Classification: Uncertain significance for Hereditary diffuse gastric adenocarcinoma. Last evaluated: 2023-03-06. Review status: criteria provided, single submitter. Criteria: Myriad Autosomal Dominant, Autosomal Recessive and X-Linked Classification Criteria (2023). Collection method: clinical testing. Allele origin: unknown.
Comment: This variant is classified as a variant of uncertain significance as there is insufficient evidence to determine its impact on protein function and/or cancer risk.

GeneDx
Classification: Uncertain significance. Last evaluated: 2018-02-14. Review status: criteria provided, single submitter. Criteria: GeneDx Variant Classification (06012015). Collection method: clinical testing. Allele origin: germline. Affected: yes.
Comment: This variant is denoted CDH1 c.1315G>A at the cDNA level, p.Ala439Thr (A439T) at the protein level, and results in the change of an Alanine to a Threonine (GCA>ACA). This variant has not, to our knowledge, been published in the literature as pathogenic or benign. CDH1 Ala439Thr was not observed at a significant allele frequency in large population cohorts (Lek 2016). CDH1 Ala439Thr is located in the Cadherin 3 domain (UniProt). In-silico analysis, which includes protein predictors and evolutionary conservation, supports that this variant does not alter protein structure/function. Based on currently available information, it is unclear whether CDH1 Ala439Thr is pathogenic or benign. We consider it to be a variant of uncertain significance.

Illumina Laboratory Services, Illumina
Classification: Uncertain significance for Hereditary diffuse gastric adenocarcinoma. Last evaluated: 2018-01-12. Review status: criteria provided, single submitter. Criteria: ICSL Variant Classification Criteria 13 December 2019. Collection method: clinical testing. Allele origin: germline.

Counsyl
Classification: Uncertain significance for Hereditary diffuse gastric adenocarcinoma. Last evaluated: 2016-05-23. Review status: no assertion criteria provided. Collection method: clinical testing. Allele origin: unknown. Not counted in ClinVar's aggregate classification.

Literature cited by the submitters: PubMed 31465090 (cited by Ambry Genetics and Labcorp Genetics (formerly Invitae), Labcorp).

NM_004360.5(CDH1):c.1315G>A (p.Ala439Thr)

Gene: CDH1 (cadherin 1; plus strand). Cytogenetic location: 16q22.1.
Variant type: single nucleotide variant.
Coding change: c.1315G>A on transcript NM_004360.5 (MANE Select); coding-DNA position 1315, G replaced by A.
Protein change: p.Ala439Thr; replaces alanine 439 with threonine.
Molecular consequence: missense variant. On other transcripts: 5 prime UTR variant (2), intron variant (1).
Genome position (GRCh38, 1-based): chr16:68,813,490, G>A. VCF-style: chr16-68813490-G-A. GRCh37 (hg19) VCF-style: chr16-68847393-G-A.
Other names: c.1315G>A (LRG_301t1); c.-301G>A (NM_001317185.2); c.-505G>A (NM_001317186.2); c.1137+1227G>A (NM_001317184.2); short protein forms A439T.
Identifiers: ClinVar variation 184950 (VCV000184950.32), dbSNP rs758764445, ClinGen allele CA190565.